The following is an entry in ClinVar:

NM_001204.7(BMPR2):c.872dup (p.Leu291fs)

Gene: BMPR2 (bone morphogenetic protein receptor type 2; plus strand). Cytogenetic location: 2q33.2.
Variant type: Duplication.
Coding change: c.872dup on transcript NM_001204.7 (MANE Select); coding-DNA position 872, one base duplicated (T; older notation c.872dupT).
Protein change: p.Leu291fs; shifts the reading frame from leucine 291.
Molecular consequence: frameshift variant.
Genome position (GRCh38, 1-based): chr2:202,520,106, T duplicated; the last of 3 consecutive T bases (chr2:202,520,104-202,520,106); duplicating any one gives the same sequence. VCF-style (leftmost placement, unchanged base first): chr2-202520103-A-AT. GRCh37 (hg19) VCF-style: chr2-203384826-A-AT.
Other names: short protein forms L291fs.
Identifiers: ClinVar variation 4694665 (VCV004694665.1).

ClinVar aggregate classification (germline): Pathogenic (1 of 4 stars; one submission).

Conditions:
Primary pulmonary hypertension. Also called: Idiopathic pulmonary hypertension. Identifiers: MedGen C0152171.

Submission:

Labcorp Genetics (formerly Invitae), Labcorp
Classification: Pathogenic for Primary pulmonary hypertension. Last evaluated: 2026-01-28. Review status: criteria provided, single submitter. Criteria: Invitae Variant Classification Sherloc (09022015). Collection method: clinical testing. Allele origin: germline.
Comment: This sequence change creates a premature translational stop signal (p.Leu291Phefs*7) in the BMPR2 gene. It is expected to result in an absent or disrupted protein product. Loss-of-function variants in BMPR2 are known to be pathogenic (PMID: 16429395). This variant is not present in population databases (gnomAD no frequency). This premature translational stop signal has been observed in individual(s) with pulmonary hypertension (PMID: 31727138). For these reasons, this variant has been classified as Pathogenic.

Literature cited by the submitters: PubMed 16429395; PubMed 31727138.